The following is an entry in ClinVar:

ClinVar aggregate classification (germline): Uncertain significance. Review status: criteria provided, multiple submitters, no conflicts (2 of 4 stars). 2 submissions from 2 submitters: Uncertain significance (2). Last evaluated 2022-09-27.

Conditions:
Leigh syndrome (NULS). Also called: Leigh's syndrome; Leigh Syndrome (mtDNA deletion); Leigh Disease; Subacute necrotizing encephalopathy; Necrotizing encephalopathy infantile subacute of Leigh; Leigh's necrotizing encephalopathy. Identifiers: Orphanet 506, MedGen C2931891, MONDO:0009723, OMIM 256000.
Leber optic atrophy (LHON). Also called: Optic Atrophy, Hereditary, Leber; Leber hereditary optic neuropathy; Leber's disease; Leber's optic atrophy. Identifiers: Orphanet 104, MedGen C0917796, MONDO:0010788, OMIM 535000, HP:0001112.

Submissions (2):

Institute for Medical Genetics and Human Genetics, Charité - Universitätsmedizin Berlin
Classification: Uncertain significance for Leber optic atrophy. Last evaluated: 2022-09-27. Review status: criteria provided, single submitter. Criteria: ACMG Guidelines, 2015. Collection method: clinical testing. Allele origin: germline. Inheritance: Mitochondrial inheritance. Affected: yes. Observed: 1 heterozygote.

Wong Mito Lab, Molecular and Human Genetics, Baylor College of Medicine
Classification: Uncertain significance for Leigh syndrome. Last evaluated: 2019-10-17. Review status: criteria provided, single submitter. Criteria: Modified ACMG Guidelines (Unpublished). Collection method: clinical testing. Allele origin: germline.
Comment: The NC_012920.1:m.14795T>C (YP_003024038.1:p.Ser17Pro) variant in MTCYB gene is interpretated to be a Uncertain Significance variant based on the modified ACMG guidelines (unpublished). This variant meets the following evidence codes: PP6, PP7

NC_012920.1(MT-CYB):m.14795T>C

Gene: MT-CYB (mitochondrially encoded cytochrome b; plus strand).
Variant type: single nucleotide variant.
Genome position: chrM-14795-T-C.
Identifiers: ClinVar variation 693767 (VCV000693767.4), dbSNP rs1603224896, ClinGen allele CA913172109.
Genomic context (GRCh38, chrMT:14,795, plus strand): 5'-ACAAGAACACCAATGACCCCAATACGCAAAACTAACCCCCTAATAAAATTAATTAACCAC[T>C]CATTCATCGACCTCCCCACCCCATCCAACATCTCCGCATGATGAAACTTCGGCTCACTCC-3'